The following is an entry in ClinVar:

ClinVar aggregate classification (germline): Benign. Review status: criteria provided, multiple submitters, no conflicts (2 of 4 stars). 2 submissions from 2 submitters: Benign (2). Last evaluated 2018-01-13.

Conditions:
Oroticaciduria. Also called: Orotic aciduria. Identifiers: Orphanet 30, MedGen C0268128, HP:0003218.

Allele frequency attached by ClinVar (database versions not stated): 1000 Genomes Project 30x 0.00890; TOPMed 0.01246; gnomAD 0.01265 and 0.01322; 1000 Genomes Project 0.00879; gnomAD exomes 0.01905 and 0.01693; ExAC 0.02722.
gnomAD v4.1: 7,737 of 454,146 alleles (1.7%); highest among the groups gnomAD compares: South Asian, 2.8%; 118 homozygotes.

Submissions (2):

Illumina Laboratory Services, Illumina
Classification: Benign for Hereditary orotic aciduria. Last evaluated: 2018-01-13. Review status: criteria provided, single submitter. Criteria: ICSL Variant Classification Criteria 13 December 2019. Collection method: clinical testing. Allele origin: germline.
Comment: This variant was observed in the ICSL laboratory as part of a predisposition screen in an ostensibly healthy population. It had not been previously curated by ICSL or reported in the Human Gene Mutation Database (HGMD: prior to June 1st, 2018), and was therefore a candidate for classification through an automated scoring system. Utilizing variant allele frequency, disease prevalence and penetrance estimates, and inheritance mode, an automated score was calculated to assess if this variant is too frequent to cause the disease. Based on the score and internal cut-off values, a variant classified as benign is not then subjected to further curation. The score for this variant resulted in a classification of benign for this disease.

Breakthrough Genomics
Classification: Benign. Review status: criteria provided, single submitter. Criteria: ACMG Guidelines, 2015. Collection method: not provided. Allele origin: germline. Inheritance: Autosomal recessive inheritance. Affected: yes.

NM_000373.4(UMPS):c.*993A>T

Gene: UMPS (uridine monophosphate synthetase; plus strand). Cytogenetic location: 3q21.2.
Variant type: single nucleotide variant.
Coding change: c.*993A>T on transcript NM_000373.4 (MANE Select); 993 bases downstream of the stop codon, A replaced by T.
Molecular consequence: 3 prime UTR variant. On other transcripts: non-coding transcript variant (2).
Genome position (GRCh38, 1-based): chr3:124,745,077, A>T. VCF-style: chr3-124745077-A-T. GRCh37 (hg19) VCF-style: chr3-124463924-A-T.
Identifiers: ClinVar variation 342946 (VCV000342946.6), dbSNP rs74704429, ClinGen allele CA2581960.